The following is an entry in ClinVar:

NM_004006.3(DMD):c.3356C>T (p.Ala1119Val)

Gene: DMD (dystrophin; minus strand). Cytogenetic location: Xp21.1.
Variant type: single nucleotide variant.
Coding change: c.3356C>T on transcript NM_004006.3 (MANE Select); coding-DNA position 3356, C replaced by T.
Protein change: p.Ala1119Val; replaces alanine 1119 with valine.
Molecular consequence: missense variant.
Genome position (GRCh38, 1-based): chrX:32,463,515, G>A on the plus strand (C>T on the coding strand, the complement: DMD is on the minus strand). VCF-style: chrX-32463515-G-A. GRCh37 (hg19) VCF-style: chrX-32481632-G-A.
Other names: c.3332C>T, p.Ala1111Val (NM_000109.4); c.3344C>T, p.Ala1115Val (NM_004009.3); c.2987C>T, p.Ala996Val (NM_004010.3); short protein forms A1111V, A996V, A1115V, A1119V.
Identifiers: ClinVar variation 2779637 (VCV002779637.3), dbSNP rs1487265817, ClinGen allele CA412664453.

ClinVar aggregate classification (germline): Uncertain significance (1 of 4 stars; one submission).

Conditions:
Duchenne muscular dystrophy (DMD). Also called: MUSCULAR DYSTROPHY, PSEUDOHYPERTROPHIC PROGRESSIVE, DUCHENNE TYPE; Duchenne Muscular Dystrophy (DMD). Identifiers: Orphanet 98896, MedGen C0013264, MONDO:0010679, OMIM 310200.

Submission:

Labcorp Genetics (formerly Invitae), Labcorp
Classification: Uncertain significance for Duchenne muscular dystrophy. Last evaluated: 2025-09-07. Review status: criteria provided, single submitter. Criteria: Invitae Variant Classification Sherloc (09022015). Collection method: clinical testing. Allele origin: germline.
Comment: This sequence change replaces alanine, which is neutral and non-polar, with valine, which is neutral and non-polar, at codon 1119 of the DMD protein (p.Ala1119Val). This variant is not present in population databases (gnomAD no frequency). This variant has not been reported in the literature in individuals affected with DMD-related conditions. ClinVar contains an entry for this variant (Variation ID: 2779637). Invitae Evidence Modeling of protein sequence and biophysical properties (such as structural, functional, and spatial information, amino acid conservation, physicochemical variation, residue mobility, and thermodynamic stability) indicates that this missense variant is not expected to disrupt DMD protein function with a negative predictive value of 95%. In summary, the available evidence is currently insufficient to determine the role of this variant in disease. Therefore, it has been classified as a Variant of Uncertain Significance.